The following is an entry in ClinVar:

ClinVar aggregate classification (germline): Uncertain significance (1 of 4 stars; one submission).

Conditions:
Oligodontia-cancer predisposition syndrome. Also called: TOOTH AGENESIS-COLORECTAL CANCER SYNDROME. Identifiers: Orphanet 300576, MedGen C1837750, MONDO:0012075, OMIM 608615. Disease mechanism: loss of function.

Submission:

Labcorp Genetics (formerly Invitae), Labcorp
Classification: Uncertain significance for Oligodontia-cancer predisposition syndrome. Last evaluated: 2025-12-06. Review status: criteria provided, single submitter. Criteria: Invitae Variant Classification Sherloc (09022015). Collection method: clinical testing. Allele origin: germline.
Comment: This sequence change replaces cysteine, which is neutral and slightly polar, with serine, which is neutral and polar, at codon 36 of the AXIN2 protein (p.Cys36Ser). This variant is not present in population databases (gnomAD no frequency). This variant has not been reported in the literature in individuals affected with AXIN2-related conditions. Invitae Evidence Modeling of protein sequence and biophysical properties (such as structural, functional, and spatial information, amino acid conservation, physicochemical variation, residue mobility, and thermodynamic stability) indicates that this missense variant is not expected to disrupt AXIN2 protein function with a negative predictive value of 80%. In summary, the available evidence is currently insufficient to determine the role of this variant in disease. Therefore, it has been classified as a Variant of Uncertain Significance.

NM_004655.4(AXIN2):c.107G>C (p.Cys36Ser)

Gene: AXIN2 (axin 2; minus strand). Cytogenetic location: 17q24.1.
Variant type: single nucleotide variant.
Coding change: c.107G>C on transcript NM_004655.4 (MANE Select); coding-DNA position 107, G replaced by C.
Protein change: p.Cys36Ser; replaces cysteine 36 with serine.
Molecular consequence: missense variant.
Genome position (GRCh38, 1-based): chr17:65,558,514, C>G on the plus strand (G>C on the coding strand, the complement: AXIN2 is on the minus strand). VCF-style: chr17-65558514-C-G. GRCh37 (hg19) VCF-style: chr17-63554632-C-G.
Other names: c.107G>C, p.Cys36Ser (NM_001363813.1); short protein forms C36S.
Identifiers: ClinVar variation 4746685 (VCV004746685.1).
Genomic context (GRCh38, chr17:65,558,514, plus strand): 5'-CTGGTGTTGGAAGAGACAGGCATGGGTTTGGTGACCTGGCCCTTGCCCACCCCTGGCTGA[C>G]ACGGTGGGGTCTCCCCTTCTTCCCCTGGCACTGGGGGCCGCGGGGCATCCTCACGGAAGC-3'
Protein context (NP_004646.3, residues 26-46): VPGEEGETPP[Cys36Ser]QPGVGKGQVT